The following is an entry in ClinVar:

ClinVar aggregate classification (germline): Likely pathogenic (1 of 4 stars; one submission).

Submission:

GeneDx
Classification: Likely pathogenic. Last evaluated: 2016-08-04. Review status: criteria provided, single submitter. Criteria: GeneDx Variant Classification (06012015). Collection method: clinical testing. Allele origin: germline. Affected: yes.
Comment: The G436S variant in the LARS gene has not been reported previously as a pathogenic variant, nor as a benign variant, to our knowledge. The G436S variant was not observed in approximately 6,500 individuals of European and African American ancestry in the NHLBI Exome Sequencing Project, indicating it is not a common benign variant in these populations. The G436S variant is a non-conservative amino acid substitution, which is likely to impact secondary protein structure as these residues differ in polarity, charge, size and/or other properties. This substitution occurs at a position that is conserved across species. In silico analysis is inconsistent in its predictions as to whether or not the variant is damaging to the protein structure/function. The G436S variant is a strong candidate for a pathogenic variant, however the possibility it may be a rare benign variant cannot be excluded.

NM_020117.11(LARS1):c.1306G>A (p.Gly436Ser)

Gene: LARS1 (leucyl-tRNA synthetase 1; minus strand). Cytogenetic location: 5q32.
Variant type: single nucleotide variant.
Coding change: c.1306G>A on transcript NM_020117.11 (MANE Select); coding-DNA position 1306, G replaced by A.
Protein change: p.Gly436Ser; replaces glycine 436 with serine.
Molecular consequence: missense variant.
Genome position (GRCh38, 1-based): chr5:146,151,981, C>T on the plus strand (G>A on the coding strand, the complement: LARS1 is on the minus strand). VCF-style: chr5-146151981-C-T. GRCh37 (hg19) VCF-style: chr5-145531544-C-T.
Other names: c.1168G>A, p.Gly390Ser (NM_001317964.2); c.1144G>A, p.Gly382Ser (NM_001317965.2); c.1225G>A, p.Gly409Ser (NM_016460.4); short protein forms G436S, G409S, G382S, G390S.
Identifiers: ClinVar variation 388496 (VCV000388496.2), dbSNP rs1057523128, ClinGen allele CA16604871.